The following is an entry in ClinVar:

NM_004006.3(DMD):c.8817del (p.Gln2940fs)

Gene: DMD (dystrophin; minus strand). Cytogenetic location: Xp21.2.
Variant type: Deletion.
Coding change: c.8817del on transcript NM_004006.3 (MANE Select); coding-DNA position 8817, one base deleted (T; older notation c.8817delT).
Protein change: p.Gln2940fs; shifts the reading frame from glutamine 2940.
Molecular consequence: frameshift variant.
Genome position (GRCh38, 1-based): chrX:31,478,226, A deleted on the plus strand (T on the coding strand, the reverse complement: DMD is on the minus strand); the first of 2 consecutive A bases (chrX:31,478,226-31,478,227); deleting either gives the same sequence. VCF-style (leftmost placement, unchanged base first): chrX-31478225-GA-G. GRCh37 (hg19) VCF-style: chrX-31496342-GA-G.
Other names: c.8793del, p.Gln2932fs (NM_000109.4); c.8805del, p.Gln2936fs (NM_004009.3); c.8448del, p.Gln2817fs (NM_004010.3); c.4794del, p.Gln1599fs (NM_004011.4); c.4785del, p.Gln1596fs (NM_004012.4); c.1437del, p.Gln480fs (NM_004013.3, NM_004020.4, NM_004021.3 and 2 more transcripts); c.630del, p.Gln211fs (NM_004014.3); short protein forms Q1596fs, Q211fs, Q2932fs, Q2936fs, Q1599fs, Q2817fs, Q2940fs, Q480fs.
Identifiers: ClinVar variation 803812 (VCV000803812.7), dbSNP rs1603222424, ClinGen allele CA915950814.

ClinVar aggregate classification (germline): Pathogenic. Review status: criteria provided, multiple submitters, no conflicts (2 of 4 stars). 2 submissions from 2 submitters: Pathogenic (2). Last evaluated 2022-08-31.

Conditions:
Duchenne muscular dystrophy (DMD). Also called: Duchenne Muscular Dystrophy (DMD); MUSCULAR DYSTROPHY, PSEUDOHYPERTROPHIC PROGRESSIVE, DUCHENNE TYPE. Identifiers: Orphanet 98896, MedGen C0013264, MONDO:0010679, OMIM 310200.

Submissions (2):

Labcorp Genetics (formerly Invitae), Labcorp
Classification: Pathogenic for Duchenne muscular dystrophy. Last evaluated: 2022-08-31. Review status: criteria provided, single submitter. Criteria: Invitae Variant Classification Sherloc (09022015). Collection method: clinical testing. Allele origin: germline.
Comment: For these reasons, this variant has been classified as Pathogenic. ClinVar contains an entry for this variant (Variation ID: 803812). This variant has not been reported in the literature in individuals affected with DMD-related conditions. This variant is not present in population databases (gnomAD no frequency). This sequence change creates a premature translational stop signal (p.Gln2940Lysfs*16) in the DMD gene. It is expected to result in an absent or disrupted protein product. Loss-of-function variants in DMD are known to be pathogenic (PMID: 16770791, 25007885).

Mendelics
Classification: Pathogenic for Duchenne muscular dystrophy. Last evaluated: 2019-05-28. Review status: criteria provided, single submitter. Criteria: Mendelics Assertion Criteria 2017. Collection method: clinical testing. Allele origin: unknown.

Literature cited by the submitters: PubMed 16770791 (cited by Labcorp Genetics (formerly Invitae), Labcorp); PubMed 25007885 (cited by Labcorp Genetics (formerly Invitae), Labcorp).